The following is an entry in ClinVar:

NM_182931.3(KMT2E):c.3118G>A (p.Glu1040Lys)

Gene: KMT2E (lysine methyltransferase 2E (inactive); plus strand). Cytogenetic location: 7q22.3.
Variant type: single nucleotide variant.
Coding change: c.3118G>A on transcript NM_182931.3 (MANE Select); coding-DNA position 3118, G replaced by A.
Protein change: p.Glu1040Lys; replaces glutamic acid 1040 with lysine.
Molecular consequence: missense variant.
Genome position (GRCh38, 1-based): chr7:105,107,575, G>A. VCF-style: chr7-105107575-G-A. GRCh37 (hg19) VCF-style: chr7-104748022-G-A.
Other names: c.3118G>A (NM_182931.2); c.3118G>A, p.Glu1040Lys (NM_001410908.1, NM_018682.4); short protein forms E1040K.
Identifiers: ClinVar variation 2714198 (VCV002714198.5), dbSNP rs2536509624, ClinGen allele CA368788637.
Genomic context (GRCh38, chr7:105,107,575, plus strand): 5'-GTGTCAGACCTTCAGCTAGGACTCGATGCAGTTGAGCCAACTGCCCTACATAAAACCCTG[G>A]AAACGCCTGCACATGACAGGGCTGAGCCCAACAGCCAACTGGACTCGACTCACTCTGGAC-3'
Protein context (NP_891847.1, residues 1030-1050): VEPTALHKTL[Glu1040Lys]TPAHDRAEPN

ClinVar aggregate classification (germline): Uncertain significance. Review status: criteria provided, multiple submitters, no conflicts (2 of 4 stars). 2 submissions from 2 submitters: Uncertain significance (2). Last evaluated 2025-07-30.

Allele frequency attached by ClinVar (database versions not stated): gnomAD exomes below 0.00001.
gnomAD v4.1: 1 of 1,614,062 alleles (0.000062%); highest among the groups gnomAD compares: Non-Finnish European, 0.000085%; no homozygotes.

Submissions (2):

GeneDx
Classification: Uncertain significance. Last evaluated: 2025-07-30. Review status: criteria provided, single submitter. Criteria: GeneDx Variant Classification Process June 2021. Collection method: clinical testing. Allele origin: germline. Affected: yes.
Comment: Not observed at significant frequency in large population cohorts (gnomAD); In silico analysis suggests that this missense variant does not alter protein structure/function; Has not been previously published as pathogenic or benign to our knowledge

Labcorp Genetics (formerly Invitae), Labcorp
Classification: Uncertain significance. Last evaluated: 2023-07-20. Review status: criteria provided, single submitter. Criteria: Invitae Variant Classification Sherloc (09022015). Collection method: clinical testing. Allele origin: germline.
Comment: This sequence change replaces glutamic acid, which is acidic and polar, with lysine, which is basic and polar, at codon 1040 of the KMT2E protein (p.Glu1040Lys). This variant is not present in population databases (gnomAD no frequency). This variant has not been reported in the literature in individuals affected with KMT2E-related conditions. An algorithm developed to predict the effect of missense changes on protein structure and function (PolyPhen-2) suggests that this variant is likely to be tolerated. In summary, the available evidence is currently insufficient to determine the role of this variant in disease. Therefore, it has been classified as a Variant of Uncertain Significance.